The following is an entry in ClinVar:

NM_015057.5(MYCBP2):c.11335A>G (p.Thr3779Ala)

Genes: MYCBP2 (MYC binding protein 2; minus strand), MYCBP2-AS1 (MYCBP2 antisense RNA 1; plus strand). Cytogenetic location: 13q22.3.
Variant type: single nucleotide variant.
Coding change: c.11335A>G on transcript NM_015057.5 (MANE Select); coding-DNA position 11335, A replaced by G.
Protein change: p.Thr3779Ala; replaces threonine 3779 with alanine.
Molecular consequence: missense variant.
Genome position (GRCh38, 1-based): chr13:77,081,510, T>C on the plus strand (A>G on the coding strand, the complement: MYCBP2 is on the minus strand). VCF-style: chr13-77081510-T-C. GRCh37 (hg19) VCF-style: chr13-77655645-T-C.
Other names: short protein forms T3779A.
Identifiers: ClinVar variation 4527995 (VCV004527995.1).

ClinVar aggregate classification (germline): Uncertain significance (1 of 4 stars; one submission).

gnomAD v4.1: 2 of 1,613,362 alleles (0.00012%); highest among the groups gnomAD compares: Non-Finnish European, 0.00017%; no homozygotes.

Submission:

GeneDx
Classification: Uncertain significance. Last evaluated: 2025-05-02. Review status: criteria provided, single submitter. Criteria: GeneDx Variant Classification Process June 2021. Collection method: clinical testing. Allele origin: germline. Affected: yes.
Comment: Not observed at significant frequency in large population cohorts (gnomAD); In silico analysis supports that this missense variant has a deleterious effect on protein structure/function; Has not been previously published as pathogenic or benign to our knowledge